The following is an entry in ClinVar:

NM_014874.4(MFN2):c.2092C>T (p.His698Tyr)

Gene: MFN2 (mitofusin 2; plus strand). Cytogenetic location: 1p36.22.
Variant type: single nucleotide variant.
Coding change: c.2092C>T on transcript NM_014874.4 (MANE Select); coding-DNA position 2092, C replaced by T.
Protein change: p.His698Tyr; replaces histidine 698 with tyrosine.
Molecular consequence: missense variant.
Genome position (GRCh38, 1-based): chr1:12,009,614, C>T. VCF-style: chr1-12009614-C-T. GRCh37 (hg19) VCF-style: chr1-12069671-C-T.
Other names: c.2092C>T, p.His698Tyr (NM_001127660.2); short protein forms H698Y.
Identifiers: ClinVar variation 4760759 (VCV004760759.1).

ClinVar aggregate classification (germline): Uncertain significance (1 of 4 stars; one submission).

Conditions:
Charcot-Marie-Tooth disease type 2. Also called: Charcot-Marie-Tooth type 2. Identifiers: Orphanet 64746, MedGen C0270914, MONDO:0018993.

gnomAD v4.1: 4 of 1,614,236 alleles (0.00025%); highest among the groups gnomAD compares: Non-Finnish European, 0.00034%; no homozygotes.

Submission:

Labcorp Genetics (formerly Invitae), Labcorp
Classification: Uncertain significance for Charcot-Marie-Tooth disease type 2. Last evaluated: 2025-06-23. Review status: criteria provided, single submitter. Criteria: Invitae Variant Classification Sherloc (09022015). Collection method: clinical testing. Allele origin: germline.
Comment: This sequence change replaces histidine, which is basic and polar, with tyrosine, which is neutral and polar, at codon 698 of the MFN2 protein (p.His698Tyr). This variant is not present in population databases (gnomAD no frequency). This variant has not been reported in the literature in individuals affected with MFN2-related conditions. Invitae Evidence Modeling of protein sequence and biophysical properties (such as structural, functional, and spatial information, amino acid conservation, physicochemical variation, residue mobility, and thermodynamic stability) indicates that this missense variant is not expected to disrupt MFN2 protein function with a negative predictive value of 80%. In summary, the available evidence is currently insufficient to determine the role of this variant in disease. Therefore, it has been classified as a Variant of Uncertain Significance.